The following is an entry in ClinVar:

ClinVar aggregate classification (germline): Uncertain significance. Review status: criteria provided, multiple submitters, no conflicts (2 of 4 stars). 2 submissions from 2 submitters: Uncertain significance (2). Last evaluated 2025-10-09.

gnomAD v4.1: 225 of 1,613,672 alleles (0.014%); highest among the groups gnomAD compares: Non-Finnish European, 0.019%; no homozygotes.

Submissions (2):

Women's Health and Genetics/Laboratory Corporation of America, LabCorp
Classification: Uncertain significance. Last evaluated: 2025-10-09. Review status: criteria provided, single submitter. Criteria: LabCorp Variant Classification Summary - May 2015. Collection method: clinical testing. Allele origin: germline.
Comment: Variant summary: GBF1 c.2819A>C (p.Tyr940Ser) results in a non-conservative amino acid change in the encoded protein sequence. Algorithms developed to predict the effect of missense changes on protein structure and function are either unavailable or do not agree on the potential impact of this missense change. The variant allele was found at a frequency of 2e-05 in 251334 control chromosomes. The available data on variant occurrences in the general population are insufficient to allow any conclusion about variant significance. To our knowledge, no occurrence of c.2819A>C in individuals affected with GBF1-related conditions and no experimental evidence demonstrating its impact on protein function have been reported. No submitters have cited clinical-significance assessments for this variant to ClinVar. Based on the evidence outlined above, the variant was classified as uncertain significance.

Ambry Genetics
Classification: Uncertain significance. Last evaluated: 2025-08-11. Review status: criteria provided, single submitter. Criteria: Ambry Variant Classification Scheme 2023. Collection method: clinical testing. Allele origin: germline.

NM_001377137.1(GBF1):c.2822A>C (p.Tyr941Ser)

Gene: GBF1 (golgi brefeldin A resistant guanine nucleotide exchange factor 1; plus strand). Cytogenetic location: 10q24.32.
Variant type: single nucleotide variant.
Coding change: c.2822A>C on transcript NM_001377137.1 (MANE Select); coding-DNA position 2822, A replaced by C.
Protein change: p.Tyr941Ser; replaces tyrosine 941 with serine.
Molecular consequence: missense variant. On other transcripts: non-coding transcript variant (5), intron variant (1).
Genome position (GRCh38, 1-based): chr10:102,368,397, A>C. VCF-style: chr10-102368397-A-C. GRCh37 (hg19) VCF-style: chr10-104128154-A-C.
Other names: c.2786A>C, p.Tyr929Ser (NM_001391926.1); c.2819A>C, p.Tyr940Ser (NM_001391927.1, NM_001391930.1, NM_004193.3 and 3 more transcripts); c.2678A>C, p.Tyr893Ser (NM_001391928.1); c.2441A>C, p.Tyr814Ser (NM_001391931.1); c.2894A>C, p.Tyr965Ser (NM_001411003.1); c.2918A>C, p.Tyr973Ser (NM_001411027.1, NM_001391922.1); c.2640-342A>C (NM_001391929.1); c.2822A>C, p.Tyr941Ser (NM_001391923.1, NM_001199378.2); and 2 more; short protein forms Y965S, Y893S, Y928S, Y814S, Y973S, Y842S, Y929S, Y940S.
Identifiers: ClinVar variation 4262280 (VCV004262280.2).